The following is an entry in ClinVar:

NM_001142800.2(EYS):c.2058_2061dup (p.His688fs)

Gene: EYS (EGF-like photoreceptor maintenance factor; minus strand). Cytogenetic location: 6q12.
Variant type: Duplication.
Coding change: c.2058_2061dup on transcript NM_001142800.2 (MANE Select); coding-DNA positions 2058 to 2061, 4 bases duplicated (TTCA; older notation c.2058_2061dupTTCA).
Protein change: p.His688fs; shifts the reading frame from histidine 688.
Molecular consequence: frameshift variant.
Genome position (GRCh38, 1-based): chr6:65,057,690-65,057,693, TGAA duplicated on the plus strand (TTCA on the coding strand, the reverse complement: EYS is on the minus strand). VCF-style (leftmost placement, unchanged base first): chr6-65057689-G-GTGAA. GRCh37 (hg19) VCF-style: chr6-65767582-G-GTGAA.
Other names: c.2058_2061dup, p.His688fs (NM_001292009.2); short protein forms H688fs.
Identifiers: ClinVar variation 4075368 (VCV004075368.1).

ClinVar aggregate classification (germline): Likely pathogenic (1 of 4 stars; one submission).

Conditions:
Retinitis pigmentosa (RP). Identifiers: Orphanet 791, MedGen C0035334, MeSH D012174, MONDO:0019200, OMIM 268000. Inheritance: Autosomal dominant, autosomal recessive and X linked inheritance.

Submission:

DNA-diagnostics Laboratory, Research Centre For Medical Genetics
Classification: Likely pathogenic for Retinitis pigmentosa. Review status: criteria provided, single submitter. Criteria: ACMG Guidelines, 2015. Collection method: clinical testing. Allele origin: germline. Inheritance: Autosomal recessive inheritance. Affected: yes. Observed: 1 heterozygote.
Comment: There is no data on segregation analysis. This sequence change creates a premature translational stop signal (p.His688Phefs*12) in the EYS gene. This variant is not present in population databases (gnomAD no frequency). For these reasons, this variant has been classified as likely pathogenic (PVS1, PM2).